The following is an entry in ClinVar:

ClinVar aggregate classification (germline): Likely benign (0 of 4 stars; one submission).

Conditions:
BBS5-related disorder. Also called: BBS5-related condition.

Submission:

PreventionGenetics, part of Exact Sciences
Classification: Likely benign for BBS5-related condition. Last evaluated: 2023-10-30. Review status: no assertion criteria provided. Collection method: clinical testing. Allele origin: germline.
Comment: This variant is classified as likely benign based on ACMG/AMP sequence variant interpretation guidelines (Richards et al. 2015 PMID: 25741868, with internal and published modifications).

NM_152384.3(BBS5):c.585T>C (p.Asp195=)

Gene: BBS5 (Bardet-Biedl syndrome 5; plus strand). Cytogenetic location: 2q31.1.
Variant type: single nucleotide variant.
Coding change: c.585T>C on transcript NM_152384.3 (MANE Select); coding-DNA position 585, T replaced by C.
Protein change: p.Asp195=; no amino-acid change (aspartic acid 195 retained).
Molecular consequence: synonymous variant.
Genome position (GRCh38, 1-based): chr2:169,493,803, T>C. VCF-style: chr2-169493803-T-C. GRCh37 (hg19) VCF-style: chr2-170350313-T-C.
Identifiers: ClinVar variation 3349370 (VCV003349370.1).
Genomic context (GRCh38, chr2:169,493,803, plus strand): 5'-CAATTTAGGAACCTTTTTTATTACCAATGTGAGAATTGTGTGGCATGCAAATATGAATGA[T>C]AGTTTTAATGTCAGTATACCATATCTGCAAATTGTAAGTACATACATTTTGATGACCTTA-3'
Protein context (NP_689597.1, residues 185-205): VRIVWHANMN[Asp195=]SFNVSIPYLQ